The following is an entry in ClinVar:

NM_001127222.2(CACNA1A):c.3000G>T (p.Glu1000Asp)

Gene: CACNA1A (calcium voltage-gated channel subunit alpha1 A; minus strand). Cytogenetic location: 19p13.13.
Variant type: single nucleotide variant.
Coding change: c.3000G>T on transcript NM_001127222.2 (MANE Select); coding-DNA position 3000, G replaced by T.
Protein change: p.Glu1000Asp; replaces glutamic acid 1000 with aspartic acid.
Molecular consequence: missense variant.
Genome position (GRCh38, 1-based): chr19:13,298,633, C>A on the plus strand (G>T on the coding strand, the complement: CACNA1A is on the minus strand). VCF-style: chr19-13298633-C-A. GRCh37 (hg19) VCF-style: chr19-13409447-C-A.
Other names: c.3012G>T, p.Glu1004Asp (NM_000068.4, NM_023035.3); c.3003G>T, p.Glu1001Asp (NM_001127221.2, NM_001174080.2); short protein forms E1001D, E1004D, E1000D.
Identifiers: ClinVar variation 2942240 (VCV002942240.3), dbSNP rs965510264, ClinGen allele CA404342280.

ClinVar aggregate classification (germline): Uncertain significance (1 of 4 stars; one submission).

Conditions:
Episodic ataxia type 2 (EA2). Also called: CEREBELLAR ATAXIA, PAROXYSMAL, ACETAZOLAMIDE-RESPONSIVE; CEREBELLOPATHY, HEREDITARY PAROXYSMAL; EPISODIC ATAXIA, NYSTAGMUS-ASSOCIATED; ACETAZOLAMIDE-RESPONSIVE HEREDITARY PAROXYSMAL CEREBELLAR ATAXIA; ATAXIA, EPISODIC, WITH NYSTAGMUS; ATAXIA, FAMILIAL PAROXYSMAL. Identifiers: Orphanet 97, MedGen C1720416, MONDO:0007163, OMIM 108500.
Developmental and epileptic encephalopathy, 42 (DEE42A). Also called: Epileptic encephalopathy, early infantile, 42; DEVELOPMENTAL AND EPILEPTIC ENCEPHALOPATHY 42A; EPILEPTIC ENCEPHALOPATHY, EARLY INFANTILE, 42A. Identifiers: MedGen C4310716, MONDO:0014917, OMIM 617106.

Submission:

Labcorp Genetics (formerly Invitae), Labcorp
Classification: Uncertain significance for Developmental and epileptic encephalopathy, 42; Episodic ataxia type 2. Last evaluated: 2022-12-13. Review status: criteria provided, single submitter. Criteria: Invitae Variant Classification Sherloc (09022015). Collection method: clinical testing. Allele origin: germline.
Comment: This variant has not been reported in the literature in individuals affected with CACNA1A-related conditions. This variant is not present in population databases (gnomAD no frequency). This sequence change replaces glutamic acid, which is acidic and polar, with aspartic acid, which is acidic and polar, at codon 1001 of the CACNA1A protein (p.Glu1001Asp). Advanced modeling of protein sequence and biophysical properties (such as structural, functional, and spatial information, amino acid conservation, physicochemical variation, residue mobility, and thermodynamic stability) performed at Invitae indicates that this missense variant is not expected to disrupt CACNA1A protein function. In summary, the available evidence is currently insufficient to determine the role of this variant in disease. Therefore, it has been classified as a Variant of Uncertain Significance.